The following is an entry in ClinVar:

NM_000154.2(GALK1):c.116A>G (p.Asn39Ser)

Gene: GALK1 (galactokinase 1; minus strand). Cytogenetic location: 17q25.1.
Variant type: single nucleotide variant.
Coding change: c.116A>G on transcript NM_000154.2 (MANE Select); coding-DNA position 116, A replaced by G.
Protein change: p.Asn39Ser; replaces asparagine 39 with serine.
Molecular consequence: missense variant.
Genome position (GRCh38, 1-based): chr17:75,765,021, T>C on the plus strand (A>G on the coding strand, the complement: GALK1 is on the minus strand). VCF-style: chr17-75765021-T-C. GRCh37 (hg19) VCF-style: chr17-73761102-T-C.
Other names: short protein forms N39S.
Identifiers: ClinVar variation 556951 (VCV000556951.5), dbSNP rs536209426, ClinGen allele CA8771137.

ClinVar aggregate classification (germline): Uncertain significance. Review status: criteria provided, multiple submitters, no conflicts (2 of 4 stars). 3 submissions from 3 submitters: Uncertain significance (2). 1 of the submissions does not count toward it. Last evaluated 2024-10-02.

Conditions:
Deficiency of galactokinase. Also called: GALACTOSEMIA II; Galactokinase deficiency with cataracts. Identifiers: Orphanet 352, Orphanet 79237, MedGen C0268155, MONDO:0009255, OMIM 230200.

Allele frequency attached by ClinVar (database versions not stated): gnomAD 0.00002 and 0.00003; TOPMed 0.00002; ExAC 0.00007; 1000 Genomes Project 30x 0.00016; 1000 Genomes Project 0.00020.
gnomAD v4.1: 64 of 1,610,662 alleles (0.004%); highest among the groups gnomAD compares: Middle Eastern, 0.066%; 1 homozygote.

Submissions (3):

Blueprint Genetics
Classification: Uncertain significance. Last evaluated: 2024-10-02. Review status: criteria provided, single submitter. Criteria: ACMG Guidelines, 2015. Collection method: clinical testing. Allele origin: germline.

Labcorp Genetics (formerly Invitae), Labcorp
Classification: Uncertain significance for Deficiency of galactokinase. Last evaluated: 2022-04-01. Review status: criteria provided, single submitter. Criteria: Invitae Variant Classification Sherloc (09022015). Collection method: clinical testing. Allele origin: germline.
Comment: This sequence change replaces asparagine, which is neutral and polar, with serine, which is neutral and polar, at codon 39 of the GALK1 protein (p.Asn39Ser). This variant is present in population databases (rs536209426, gnomAD 0.008%). This missense change has been observed in individual(s) with a positive newborn screening result for GALK1-related disease (PMID: 28672748). ClinVar contains an entry for this variant (Variation ID: 556951). Algorithms developed to predict the effect of missense changes on protein structure and function are either unavailable or do not agree on the potential impact of this missense change (SIFT: "Deleterious"; PolyPhen-2: "Probably Damaging"; Align-GVGD: "Class C0"). In summary, the available evidence is currently insufficient to determine the role of this variant in disease. Therefore, it has been classified as a Variant of Uncertain Significance.

Counsyl
Classification: Uncertain significance for Deficiency of galactokinase. Last evaluated: 2018-02-27. Review status: no assertion criteria provided. Collection method: clinical testing. Allele origin: unknown. Not counted in ClinVar's aggregate classification.

Literature cited by the submitters: PubMed 28672748 (cited by Labcorp Genetics (formerly Invitae), Labcorp and Counsyl).